The following is an entry in ClinVar:

ClinVar aggregate classification (germline): Uncertain significance (1 of 4 stars; one submission).

Allele frequency attached by ClinVar (database versions not stated): gnomAD exomes below 0.00001.
gnomAD v4.1: 4 of 1,209,078 alleles (0.00033%); highest among the groups gnomAD compares: Non-Finnish European, 0.00034%; no homozygotes.

Submission:

GeneDx
Classification: Uncertain significance. Last evaluated: 2025-11-06. Review status: criteria provided, single submitter. Criteria: GeneDx Variant Classification Process June 2021. Collection method: clinical testing. Allele origin: germline.
Comment: In silico analysis supports that this missense variant has a deleterious effect on protein structure/function; Has not been previously published as pathogenic or benign to our knowledge

NM_000240.4(MAOA):c.236G>A (p.Arg79His)

Gene: MAOA (monoamine oxidase A; plus strand). Cytogenetic location: Xp11.3.
Variant type: single nucleotide variant.
Coding change: c.236G>A on transcript NM_000240.4 (MANE Select); coding-DNA position 236, G replaced by A.
Protein change: p.Arg79His; replaces arginine 79 with histidine.
Molecular consequence: missense variant. On other transcripts: 5 prime UTR variant (1).
Genome position (GRCh38, 1-based): chrX:43,693,358, G>A. VCF-style: chrX-43693358-G-A. GRCh37 (hg19) VCF-style: chrX-43552605-G-A.
Other names: c.-164G>A (NM_001270458.2); short protein forms R79H.
Identifiers: ClinVar variation 1800825 (VCV001800825.2), dbSNP rs1290392482, ClinGen allele CA413004607.
Genomic context (GRCh38, chrX:43,693,358, plus strand): 5'-ATGTTGATTACGTAGATGTTGGTGGAGCTTATGTGGGACCAACCCAAAACAGAATCTTAC[G>A]CTTGTCTAAGGAGCTGGGCATAGAGACTTACAAAGTGAATGTCAGTGAGCGTCTCGTTCA-3'
Protein context (NP_000231.1, residues 69-89): YVGPTQNRIL[Arg79His]LSKELGIETY